The following is an entry in ClinVar:

NM_207034.3(EDN3):c.263C>G (p.Ala88Gly)

Gene: EDN3 (endothelin 3; plus strand). Cytogenetic location: 20q13.32.
Variant type: single nucleotide variant.
Coding change: c.263C>G on transcript NM_207034.3 (MANE Select); coding-DNA position 263, C replaced by G.
Protein change: p.Ala88Gly; replaces alanine 88 with glycine.
Molecular consequence: missense variant.
Genome position (GRCh38, 1-based): chr20:59,301,620, C>G. VCF-style: chr20-59301620-C-G. GRCh37 (hg19) VCF-style: chr20-57876675-C-G.
Other names: c.263C>G, p.Ala88Gly (NM_001302455.2, NM_001302456.2, NM_207032.3 and 1 more transcripts); short protein forms A88G.
Identifiers: ClinVar variation 1906613 (VCV001906613.5), dbSNP rs1379437364, ClinGen allele CA409706955.
Genomic context (GRCh38, chr20:59,301,620, plus strand): 5'-CGACAGCACTGCAGGGTCCAAGCCCTGGAAGCCCTGGGCAGGAGCAGGCGGCCGAGGGGG[C>G]CCCTGAGCACCACCGATCCAGGCGCTGCACGTGCTTCACCTACAAGGACAAGGAGTGTGT-3'
Protein context (NP_996917.1, residues 78-98): SPGQEQAAEG[Ala88Gly]PEHHRSRRCT

ClinVar aggregate classification (germline): Uncertain significance (1 of 4 stars; one submission).

gnomAD v4.1: 3 of 1,613,976 alleles (0.00019%); highest among the groups gnomAD compares: Admixed American, 0.0017%; no homozygotes.

Submission:

Labcorp Genetics (formerly Invitae), Labcorp
Classification: Uncertain significance. Last evaluated: 2022-11-07. Review status: criteria provided, single submitter. Criteria: Invitae Variant Classification Sherloc (09022015). Collection method: clinical testing. Allele origin: germline.
Comment: In summary, the available evidence is currently insufficient to determine the role of this variant in disease. Therefore, it has been classified as a Variant of Uncertain Significance. Algorithms developed to predict the effect of missense changes on protein structure and function output the following: SIFT: "Tolerated"; PolyPhen-2: "Benign"; Align-GVGD: "Class C0". The glycine amino acid residue is found in multiple mammalian species, which suggests that this missense change does not adversely affect protein function. This variant has not been reported in the literature in individuals affected with EDN3-related conditions. This variant is present in population databases (no rsID available, gnomAD 0.003%). This sequence change replaces alanine, which is neutral and non-polar, with glycine, which is neutral and non-polar, at codon 88 of the EDN3 protein (p.Ala88Gly).